The following is an entry in ClinVar:

NM_000136.3(FANCC):c.329T>C (p.Leu110Pro)

Gene: FANCC (FA complementation group C; minus strand). Cytogenetic location: 9q22.32.
Variant type: single nucleotide variant.
Coding change: c.329T>C on transcript NM_000136.3 (MANE Select); coding-DNA position 329, T replaced by C.
Protein change: p.Leu110Pro; replaces leucine 110 with proline.
Molecular consequence: missense variant.
Genome position (GRCh38, 1-based): chr9:95,240,665, A>G on the plus strand (T>C on the coding strand, the complement: FANCC is on the minus strand). VCF-style: chr9-95240665-A-G. GRCh37 (hg19) VCF-style: chr9-98002947-A-G.
Other names: c.329T>C, p.Leu110Pro (NM_001243743.2, NM_001243744.2); short protein forms L110P.
Identifiers: ClinVar variation 456161 (VCV000456161.16), dbSNP rs777731560, ClinGen allele CA5137779.
Genomic context (GRCh38, chr9:95,240,665, plus strand): 5'-TCAATTTAATTCAAAGAAGTGCAGAGCAAGATTTACTCTCTTACCTGTATCCAGGAGTTA[A>G]GTTTTGATTGTCCAGAATTCTGTGGTTCTTTGTTAATTAGACAACATAAGCACCATATTA-3'
Protein context (NP_000127.2, residues 100-120): KEPQNSGQSK[Leu110Pro]NSWIQGVLSH

ClinVar aggregate classification (germline): Uncertain significance. Review status: criteria provided, multiple submitters, no conflicts (2 of 4 stars). 5 submissions from 5 submitters: Uncertain significance (4). 1 of the submissions does not count toward it. Last evaluated 2025-11-24.

Conditions:
Hereditary cancer-predisposing syndrome. Also called: Neoplastic Syndromes, Hereditary; Tumor predisposition; Hereditary Cancer Syndrome; Hereditary neoplastic syndrome. Identifiers: Orphanet 140162, MedGen C0027672, MeSH D009386, MONDO:0015356.
Fanconi anemia (FA). Also called: Fanconi's anemia. Identifiers: Orphanet 84, MedGen C0015625, MeSH D005199, MONDO:0019391.

Allele frequency attached by ClinVar (database versions not stated): gnomAD exomes below 0.00001 and 0.00001; gnomAD 0.00001; ExAC 0.00002; TOPMed 0.00002.
gnomAD v4.1: 3 of 1,609,614 alleles (0.00019%); highest among the groups gnomAD compares: Admixed American, 0.005%; no homozygotes.

Submissions (5):

Ambry Genetics
Classification: Uncertain significance for Hereditary cancer-predisposing syndrome. Last evaluated: 2025-11-24. Review status: criteria provided, single submitter. Criteria: Ambry Variant Classification Scheme 2023. Collection method: clinical testing. Allele origin: germline.
Comment: The p.L110P variant (also known as c.329T>C), located in coding exon 3 of the FANCC gene, results from a T to C substitution at nucleotide position 329. The leucine at codon 110 is replaced by proline, an amino acid with similar properties. This amino acid position is not well conserved in available vertebrate species. In addition, the in silico prediction for this alteration is inconclusive. Since supporting evidence is limited at this time, the clinical significance of this alteration remains unclear.

Quest Diagnostics Nichols Institute San Juan Capistrano
Classification: Uncertain significance. Last evaluated: 2025-02-07. Review status: criteria provided, single submitter. Criteria: Quest Diagnostics criteria. Collection method: clinical testing. Allele origin: unknown.
Comment: The FANCC c.329T>C (p.Leu110Pro) variant has been reported in the published literature in individuals with acute lymphocytic leukemia (PMID: 34741701 (2022)) and unspecified hereditary cancer (PMID: 32235514 (2020)). The frequency of this variant in the general population (Genome Aggregation Database) is uninformative in the assessment of its pathogenicity. Analysis of this variant using bioinformatics tools for the prediction of the effect of amino acid changes on protein structure and function yielded conflicting predictions that this variant is deleterious or benign. Based on the available information, we are unable to determine the clinical significance of this variant.

GeneDx
Classification: Uncertain significance. Last evaluated: 2024-02-12. Review status: criteria provided, single submitter. Criteria: GeneDx Variant Classification Process June 2021. Collection method: clinical testing. Allele origin: germline. Affected: yes.
Comment: Not observed at significant frequency in large population cohorts (gnomAD); In silico analysis supports that this missense variant has a deleterious effect on protein structure/function; Has not been previously published as pathogenic or benign to our knowledge; This variant is associated with the following publications: (PMID: Gordon2000[Book])

Labcorp Genetics (formerly Invitae), Labcorp
Classification: Uncertain significance for Fanconi anemia. Last evaluated: 2021-08-26. Review status: criteria provided, single submitter. Criteria: Invitae Variant Classification Sherloc (09022015). Collection method: clinical testing. Allele origin: germline.
Comment: This sequence change replaces leucine with proline at codon 110 of the FANCC protein (p.Leu110Pro). The leucine residue is weakly conserved and there is a moderate physicochemical difference between leucine and proline. This variant is present in population databases (rs777731560, ExAC 0.02%). This variant has not been reported in the literature in individuals affected with FANCC-related conditions. Algorithms developed to predict the effect of missense changes on protein structure and function (SIFT, PolyPhen-2, Align-GVGD) all suggest that this variant is likely to be tolerated. In summary, the available evidence is currently insufficient to determine the role of this variant in disease. Therefore, it has been classified as a Variant of Uncertain Significance.

Natera, Inc.
Classification: Uncertain significance for Fanconi anemia. Last evaluated: 2020-09-16. Review status: no assertion criteria provided. Collection method: clinical testing. Allele origin: germline. Not counted in ClinVar's aggregate classification.

Literature cited by the submitters: PubMed 34741701 (cited by Quest Diagnostics Nichols Institute San Juan Capistrano); PubMed 32235514 (cited by Quest Diagnostics Nichols Institute San Juan Capistrano).